The following is an entry in ClinVar:

ClinVar aggregate classification (germline): Uncertain significance (1 of 4 stars; one submission).

Conditions:
Hereditary breast ovarian cancer syndrome. Also called: Hereditary breast and ovarian cancer syndrome; Hereditary breast and ovarian cancer; Hereditary breast and ovarian cancer syndrome (HBOC); Hereditary breast and/or ovarian cancer syndrome; Breast and ovarian cancer; BRCA1- and BRCA2-Associated Hereditary Breast and Ovarian Cancer. Identifiers: Orphanet 145, MedGen C0677776, MeSH D061325, MONDO:0003582. Disease mechanism: loss of function.

gnomAD v4.1: 1 of 1,613,924 alleles (0.000062%); highest among the groups gnomAD compares: South Asian, 0.0011%; no homozygotes.

Submission:

Labcorp Genetics (formerly Invitae), Labcorp
Classification: Uncertain significance for Hereditary breast ovarian cancer syndrome. Last evaluated: 2023-06-16. Review status: criteria provided, single submitter. Criteria: Invitae Variant Classification Sherloc (09022015). Collection method: clinical testing. Allele origin: germline.
Comment: This sequence change replaces leucine, which is neutral and non-polar, with arginine, which is basic and polar, at codon 2803 of the BRCA2 protein (p.Leu2803Arg). In summary, the available evidence is currently insufficient to determine the role of this variant in disease. Therefore, it has been classified as a Variant of Uncertain Significance. Advanced modeling of protein sequence and biophysical properties (such as structural, functional, and spatial information, amino acid conservation, physicochemical variation, residue mobility, and thermodynamic stability) performed at Invitae indicates that this missense variant is not expected to disrupt BRCA2 protein function. This variant has not been reported in the literature in individuals affected with BRCA2-related conditions. This variant is not present in population databases (gnomAD no frequency).

NM_000059.4(BRCA2):c.8408T>G (p.Leu2803Arg)

Gene: BRCA2 (BRCA2 DNA repair associated; plus strand). Cytogenetic location: 13q13.1.
Variant type: single nucleotide variant.
Coding change: c.8408T>G on transcript NM_000059.4 (MANE Select); coding-DNA position 8408, T replaced by G.
Protein change: p.Leu2803Arg; replaces leucine 2803 with arginine.
Molecular consequence: missense variant. On other transcripts: non-coding transcript variant (1).
Genome position (GRCh38, 1-based): chr13:32,370,478, T>G. VCF-style: chr13-32370478-T-G. GRCh37 (hg19) VCF-style: chr13-32944615-T-G.
Other names: c.8312T>G, p.Leu2771Arg (NM_001406719.1); c.8408T>G, p.Leu2803Arg (NM_001406720.1); c.3476T>G, p.Leu1159Arg (NM_001406721.1); c.1991T>G, p.Leu664Arg (NM_001406722.1); short protein forms L1159R, L2771R, L664R, L2803R.
Identifiers: ClinVar variation 2717109 (VCV002717109.3), dbSNP rs2548550078, ClinGen allele CA387752508.